The following is an entry in ClinVar:

ClinVar aggregate classification (germline): Uncertain significance (1 of 4 stars; one submission).

Allele frequency attached by ClinVar (database versions not stated): TOPMed below 0.00001; gnomAD exomes 0.00006.
gnomAD v4.1: 81 of 1,614,228 alleles (0.005%); highest among the groups gnomAD compares: Non-Finnish European, 0.0068%; no homozygotes.

Submission:

Labcorp Genetics (formerly Invitae), Labcorp
Classification: Uncertain significance. Last evaluated: 2025-06-04. Review status: criteria provided, single submitter. Criteria: Invitae Variant Classification Sherloc (09022015). Collection method: clinical testing. Allele origin: germline.
Comment: This sequence change replaces aspartic acid, which is acidic and polar, with alanine, which is neutral and non-polar, at codon 272 of the CYP7A1 protein (p.Asp272Ala). This variant is present in population databases (no rsID available, gnomAD 0.0009%). This variant has not been reported in the literature in individuals affected with CYP7A1-related conditions. ClinVar contains an entry for this variant (Variation ID: 2978034). Invitae Evidence Modeling of protein sequence and biophysical properties (such as structural, functional, and spatial information, amino acid conservation, physicochemical variation, residue mobility, and thermodynamic stability) indicates that this missense variant is not expected to disrupt CYP7A1 protein function with a negative predictive value of 80%. In summary, the available evidence is currently insufficient to determine the role of this variant in disease. Therefore, it has been classified as a Variant of Uncertain Significance.

NM_000780.4(CYP7A1):c.815A>C (p.Asp272Ala)

Gene: CYP7A1 (cytochrome P450 family 7 subfamily A member 1; minus strand). Cytogenetic location: 8q12.1.
Variant type: single nucleotide variant.
Coding change: c.815A>C on transcript NM_000780.4 (MANE Select); coding-DNA position 815, A replaced by C.
Protein change: p.Asp272Ala; replaces aspartic acid 272 with alanine.
Molecular consequence: missense variant.
Genome position (GRCh38, 1-based): chr8:58,496,697, T>G on the plus strand (A>C on the coding strand, the complement: CYP7A1 is on the minus strand). VCF-style: chr8-58496697-T-G. GRCh37 (hg19) VCF-style: chr8-59409256-T-G.
Other names: short protein forms D272A.
Identifiers: ClinVar variation 2978034 (VCV002978034.3), dbSNP rs1024942782, ClinGen allele CA177300156.